The following is an entry in ClinVar:

NM_019844.4(SLCO1B3):c.1593A>G (p.Thr531=)

Genes: SLCO1B3 (solute carrier organic anion transporter family member 1B3; plus strand), SLCO1B3-SLCO1B7 (SLCO1B3-SLCO1B7 readthrough; plus strand). Cytogenetic location: 12p12.2.
Variant type: single nucleotide variant.
Coding change: c.1593A>G on transcript NM_019844.4 (MANE Select); coding-DNA position 1593, A replaced by G.
Protein change: p.Thr531=; no amino-acid change (threonine 531 retained).
Molecular consequence: synonymous variant.
Genome position (GRCh38, 1-based): chr12:20,883,513, A>G. VCF-style: chr12-20883513-A-G. GRCh37 (hg19) VCF-style: chr12-21036447-A-G.
Other names: c.1509A>G, p.Thr503= (NM_001349920.2).
Identifiers: ClinVar variation 307907 (VCV000307907.15), dbSNP rs142694767, ClinGen allele CA6475622.

ClinVar aggregate classification (germline): Conflicting classifications of pathogenicity. Review status: criteria provided, conflicting classifications (1 of 4 stars). 3 submissions from 3 submitters: Uncertain significance (1); Likely benign (1). 1 of the submissions does not count toward it. Last evaluated 2022-11-28.

Conditions:
Rotor syndrome (HBLRR). Also called: HYPERBILIRUBINEMIA, ROTOR TYPE, DIGENIC; HYPERBILIRUBINEMIA, ROTOR TYPE. Identifiers: Orphanet 3111, MedGen C0220991, MONDO:0009379, OMIM 237450.
SLCO1B3-related disorder. Also called: SLCO1B3-related condition.

Allele frequency attached by ClinVar (database versions not stated): 1000 Genomes Project 0.00040; ExAC 0.00040; 1000 Genomes Project 30x 0.00047; gnomAD exomes 0.00047 and 0.00129; gnomAD 0.00059 and 0.00060; TOPMed 0.00068; ESP Exome Variant Server 0.00100.
gnomAD v4.1: 1,993 of 1,605,412 alleles (0.12%); highest among the groups gnomAD compares: Non-Finnish European, 0.16%; 9 homozygotes.

Submissions (3):

ARUP Laboratories, Molecular Genetics and Genomics, ARUP Laboratories
Classification: Likely benign for Rotor syndrome. Last evaluated: 2022-11-28. Review status: criteria provided, single submitter. Criteria: ARUP Molecular Germline Variant Investigation Process 2021. Collection method: clinical testing. Allele origin: germline.

Illumina Laboratory Services, Illumina
Classification: Uncertain significance for Rotor syndrome. Last evaluated: 2018-01-13. Review status: criteria provided, single submitter. Criteria: ICSL Variant Classification Criteria 13 December 2019. Collection method: clinical testing. Allele origin: germline.

PreventionGenetics, part of Exact Sciences
Classification: Likely benign for SLCO1B3-related condition. Last evaluated: 2020-01-02. Review status: no assertion criteria provided. Collection method: clinical testing. Allele origin: germline. Not counted in ClinVar's aggregate classification.
Comment: This variant is classified as likely benign based on ACMG/AMP sequence variant interpretation guidelines (Richards et al. 2015 PMID: 25741868, with internal and published modifications).